The following is an entry in ClinVar:

NM_004369.4(COL6A3):c.1583C>G (p.Ala528Gly)

Gene: COL6A3 (collagen type VI alpha 3 chain; minus strand). Cytogenetic location: 2q37.3.
Variant type: single nucleotide variant.
Coding change: c.1583C>G on transcript NM_004369.4 (MANE Select); coding-DNA position 1583, C replaced by G.
Protein change: p.Ala528Gly; replaces alanine 528 with glycine.
Molecular consequence: missense variant.
Genome position (GRCh38, 1-based): chr2:237,381,229, G>C on the plus strand (C>G on the coding strand, the complement: COL6A3 is on the minus strand). VCF-style: chr2-237381229-G-C. GRCh37 (hg19) VCF-style: chr2-238289872-G-C.
Other names: c.362C>G, p.Ala121Gly (NM_057164.5, NM_057166.5); c.965C>G, p.Ala322Gly (NM_057165.5, NM_057167.4); short protein forms A322G, A528G, A121G.
Identifiers: ClinVar variation 2086539 (VCV002086539.4), dbSNP rs756181209, ClinGen allele CA351217555.

ClinVar aggregate classification (germline): Uncertain significance (1 of 4 stars; one submission).

Conditions:
Bethlem myopathy 1A. Also called: MYOPATHY, BENIGN CONGENITAL, WITH CONTRACTURES; Bethlem myopathy 1; Bethlem Muscular Dystrophy. Identifiers: Orphanet 610, MedGen CN029274, MONDO:0024530, OMIM 158810.

Submission:

Labcorp Genetics (formerly Invitae), Labcorp
Classification: Uncertain significance for Bethlem myopathy 1A. Last evaluated: 2022-08-22. Review status: criteria provided, single submitter. Criteria: Invitae Variant Classification Sherloc (09022015). Collection method: clinical testing. Allele origin: germline.
Comment: In summary, the available evidence is currently insufficient to determine the role of this variant in disease. Therefore, it has been classified as a Variant of Uncertain Significance. Advanced modeling of protein sequence and biophysical properties (such as structural, functional, and spatial information, amino acid conservation, physicochemical variation, residue mobility, and thermodynamic stability) performed at Invitae indicates that this missense variant is not expected to disrupt COL6A3 protein function. This variant has not been reported in the literature in individuals affected with COL6A3-related conditions. This variant is not present in population databases (gnomAD no frequency). This sequence change replaces alanine, which is neutral and non-polar, with glycine, which is neutral and non-polar, at codon 528 of the COL6A3 protein (p.Ala528Gly).